The following is an entry in ClinVar:

ClinVar aggregate classification (germline): Uncertain significance. Review status: criteria provided, multiple submitters, no conflicts (2 of 4 stars). 4 submissions from 4 submitters: Uncertain significance (4). Last evaluated 2025-06-30.

Conditions:
Juvenile polyposis syndrome (JPS). Identifiers: Orphanet 2929, MedGen C0345893, MONDO:0017380, OMIM 174900.
Hereditary cancer-predisposing syndrome. Also called: Hereditary Cancer Syndrome; Hereditary neoplastic syndrome; Tumor predisposition; Neoplastic Syndromes, Hereditary. Identifiers: Orphanet 140162, MedGen C0027672, MeSH D009386, MONDO:0015356.
Familial thoracic aortic aneurysm and aortic dissection (TAAD). Also called: Thoracic aortic aneurysms and dissections. Identifiers: Orphanet 91387, MedGen C4707243, MONDO:0019625.

Submissions (4):

Color Diagnostics, LLC DBA Color Health
Classification: Uncertain significance for Hereditary cancer-predisposing syndrome. Last evaluated: 2025-06-30. Review status: criteria provided, single submitter. Criteria: ACMG Guidelines, 2015. Collection method: clinical testing. Allele origin: germline.
Comment: This missense variant replaces threonine with isoleucine at codon 267 of the SMAD4 protein. Computational prediction suggests that this variant may not impact protein structure and function. To our knowledge, functional studies have not been reported for this variant. This variant has not been reported in individuals affected with SMAD4-related disorders in the literature. This variant has not been identified in the general population by the Genome Aggregation Database (gnomAD). The available evidence is insufficient to determine the role of this variant in disease conclusively. Therefore, this variant is classified as a Variant of Uncertain Significance.

Ambry Genetics
Classification: Uncertain significance for Hereditary cancer-predisposing syndrome; Familial thoracic aortic aneurysm and aortic dissection. Last evaluated: 2024-01-18. Review status: criteria provided, single submitter. Criteria: Ambry Variant Classification Scheme 2023. Collection method: clinical testing. Allele origin: germline.
Comment: The p.T267I variant (also known as c.800C>T), located in coding exon 6 of the SMAD4 gene, results from a C to T substitution at nucleotide position 800. The threonine at codon 267 is replaced by isoleucine, an amino acid with similar properties. This amino acid position is well conserved in available vertebrate species. In addition, the in silico prediction for this alteration is inconclusive. Since supporting evidence is limited at this time, the clinical significance of this alteration remains unclear.

Labcorp Genetics (formerly Invitae), Labcorp
Classification: Uncertain significance for Juvenile polyposis syndrome. Last evaluated: 2023-08-30. Review status: criteria provided, single submitter. Criteria: Invitae Variant Classification Sherloc (09022015). Collection method: clinical testing. Allele origin: germline.
Comment: In summary, the available evidence is currently insufficient to determine the role of this variant in disease. Therefore, it has been classified as a Variant of Uncertain Significance. Advanced modeling of protein sequence and biophysical properties (such as structural, functional, and spatial information, amino acid conservation, physicochemical variation, residue mobility, and thermodynamic stability) has been performed at Invitae for this missense variant, however the output from this modeling did not meet the statistical confidence thresholds required to predict the impact of this variant on SMAD4 protein function. ClinVar contains an entry for this variant (Variation ID: 439298). This variant has not been reported in the literature in individuals affected with SMAD4-related conditions. This variant is not present in population databases (gnomAD no frequency). This sequence change replaces threonine, which is neutral and polar, with isoleucine, which is neutral and non-polar, at codon 267 of the SMAD4 protein (p.Thr267Ile).

Quest Diagnostics Nichols Institute San Juan Capistrano
Classification: Uncertain significance. Last evaluated: 2016-09-15. Review status: criteria provided, single submitter. Criteria: Quest Diagnostics criteria. Collection method: clinical testing. Allele origin: germline.

NM_005359.6(SMAD4):c.800C>T (p.Thr267Ile)

Gene: SMAD4 (SMAD family member 4; plus strand). Cytogenetic location: 18q21.2.
Variant type: single nucleotide variant.
Coding change: c.800C>T on transcript NM_005359.6 (MANE Select); coding-DNA position 800, C replaced by T.
Protein change: p.Thr267Ile; replaces threonine 267 with isoleucine.
Molecular consequence: missense variant.
Genome position (GRCh38, 1-based): chr18:51,058,352, C>T. VCF-style: chr18-51058352-C-T. GRCh37 (hg19) VCF-style: chr18-48584722-C-T.
Other names: short protein forms T267I.
Identifiers: ClinVar variation 439298 (VCV000439298.13), dbSNP rs1555685955, ClinGen allele CA402463298.
Genomic context (GRCh38, chr18:51,058,352, plus strand): 5'-GGCAGCCTTTATAAAAGCAAATTAACCCATGTGGGCCTTAATTTTTAGACAGCACTACCA[C>T]CTGGACTGGAAGTAGGACTGCACCATACACACCTAATTTGCCTCACCACCAAAACGGCCA-3'
Protein context (NP_005350.1, residues 257-277): PATYHHNSTT[Thr267Ile]WTGSRTAPYT